The following is an entry in ClinVar:

ClinVar aggregate classification (germline): Uncertain significance. Review status: criteria provided, multiple submitters, no conflicts (2 of 4 stars). 2 submissions from 2 submitters: Uncertain significance (2). Last evaluated 2025-12-20.

Conditions:
Neurofibromatosis, type 1 (NF1). Also called: NEUROFIBROMATOSIS, TYPE I, SOMATIC; Neurofibromatosis, type I; VON RECKLINGHAUSEN DISEASE; Peripheral type neurofibromatosis. Identifiers: Orphanet 636, MedGen C0027831, MONDO:0018975, OMIM 162200. Disease mechanism: loss of function.
Cardiovascular phenotype. Identifiers: MedGen CN230736.
Hereditary cancer-predisposing syndrome. Also called: Hereditary Cancer Syndrome; Neoplastic Syndromes, Hereditary; Tumor predisposition; Hereditary neoplastic syndrome. Identifiers: Orphanet 140162, MedGen C0027672, MeSH D009386, MONDO:0015356.

Submissions (2):

Labcorp Genetics (formerly Invitae), Labcorp
Classification: Uncertain significance for Neurofibromatosis, type 1. Last evaluated: 2025-12-20. Review status: criteria provided, single submitter. Criteria: Invitae Variant Classification Sherloc (09022015). Collection method: clinical testing. Allele origin: germline.
Comment: This sequence change replaces phenylalanine, which is neutral and non-polar, with leucine, which is neutral and non-polar, at codon 1446 of the NF1 protein (p.Phe1446Leu). This variant is not present in population databases (gnomAD no frequency). This variant has not been reported in the literature in individuals affected with NF1-related conditions. ClinVar contains an entry for this variant (Variation ID: 3709449). Invitae Evidence Modeling of protein sequence and biophysical properties (such as structural, functional, and spatial information, amino acid conservation, physicochemical variation, residue mobility, and thermodynamic stability) has been performed for this missense variant. However, the output from this modeling did not meet the statistical confidence thresholds required to predict the impact of this variant on NF1 protein function. In summary, the available evidence is currently insufficient to determine the role of this variant in disease. Therefore, it has been classified as a Variant of Uncertain Significance.

Ambry Genetics
Classification: Uncertain significance for Cardiovascular phenotype; Hereditary cancer-predisposing syndrome. Last evaluated: 2025-10-01. Review status: criteria provided, single submitter. Criteria: Ambry Variant Classification Scheme 2023. Collection method: clinical testing. Allele origin: germline.
Comment: The p.F1446L variant (also known as c.4338T>G), located in coding exon 32 of the NF1 gene, results from a T to G substitution at nucleotide position 4338. The phenylalanine at codon 1446 is replaced by leucine, an amino acid with highly similar properties. This amino acid position is highly conserved in available vertebrate species. In addition, this alteration is predicted to be deleterious by in silico analysis. Based on the available evidence, the clinical significance of this variant remains unclear.

NM_001042492.3(NF1):c.4401T>G (p.Phe1467Leu)

Gene: NF1 (neurofibromin 1; plus strand). Cytogenetic location: 17q11.2.
Variant type: single nucleotide variant.
Coding change: c.4401T>G on transcript NM_001042492.3 (MANE Select); coding-DNA position 4401, T replaced by G.
Protein change: p.Phe1467Leu; replaces phenylalanine 1467 with leucine.
Molecular consequence: missense variant.
Genome position (GRCh38, 1-based): chr17:31,259,100, T>G. VCF-style: chr17-31259100-T-G. GRCh37 (hg19) VCF-style: chr17-29586118-T-G.
Other names: c.4338T>G, p.Phe1446Leu (NM_000267.4); short protein forms F1446L, F1467L.
Identifiers: ClinVar variation 3709449 (VCV003709449.3).